The following is an entry in ClinVar:

NM_014264.5(PLK4):c.244A>G (p.Ser82Gly)

Gene: PLK4 (polo like kinase 4; plus strand). Cytogenetic location: 4q28.1.
Variant type: single nucleotide variant.
Coding change: c.244A>G on transcript NM_014264.5 (MANE Select); coding-DNA position 244, A replaced by G.
Protein change: p.Ser82Gly; replaces serine 82 with glycine.
Molecular consequence: missense variant.
Genome position (GRCh38, 1-based): chr4:127,883,460, A>G. VCF-style: chr4-127883460-A-G. GRCh37 (hg19) VCF-style: chr4-128804615-A-G.
Other names: c.148A>G, p.Ser50Gly (NM_001190799.2); c.121A>G, p.Ser41Gly (NM_001190801.2); short protein forms S41G, S50G, S82G.
Identifiers: ClinVar variation 1379387 (VCV001379387.6), dbSNP rs2148816133, ClinGen allele CA358167570.

ClinVar aggregate classification (germline): Uncertain significance (1 of 4 stars; one submission).

gnomAD v4.1: 2 of 1,508,184 alleles (0.00013%); highest among the groups gnomAD compares: Non-Finnish European, 0.00018%; no homozygotes.

Submission:

Labcorp Genetics (formerly Invitae), Labcorp
Classification: Uncertain significance. Last evaluated: 2022-06-20. Review status: criteria provided, single submitter. Criteria: Invitae Variant Classification Sherloc (09022015). Collection method: clinical testing. Allele origin: germline.
Comment: In summary, the available evidence is currently insufficient to determine the role of this variant in disease. Therefore, it has been classified as a Variant of Uncertain Significance. Algorithms developed to predict the effect of missense changes on protein structure and function (SIFT, PolyPhen-2, Align-GVGD) all suggest that this variant is likely to be tolerated. This variant has not been reported in the literature in individuals affected with PLK4-related conditions. This variant is not present in population databases (gnomAD no frequency). This sequence change replaces serine, which is neutral and polar, with glycine, which is neutral and non-polar, at codon 82 of the PLK4 protein (p.Ser82Gly).